The following is an entry in ClinVar:

ClinVar aggregate classification (germline): Uncertain significance. Review status: criteria provided, multiple submitters, no conflicts (2 of 4 stars). 2 submissions from 2 submitters: Uncertain significance (2). Last evaluated 2025-10-03.

gnomAD v4.1: 2 of 1,613,914 alleles (0.00012%); highest among the groups gnomAD compares: Non-Finnish European, 0.00017%; no homozygotes.

Submissions (2):

Labcorp Genetics (formerly Invitae), Labcorp
Classification: Uncertain significance. Last evaluated: 2025-10-03. Review status: criteria provided, single submitter. Criteria: Invitae Variant Classification Sherloc (09022015). Collection method: clinical testing. Allele origin: germline.
Comment: This sequence change replaces cysteine, which is neutral and slightly polar, with arginine, which is basic and polar, at codon 174 of the COL9A2 protein (p.Cys174Arg). This variant is present in population databases (rs751408782, gnomAD 0.003%). This variant has not been reported in the literature in individuals affected with COL9A2-related conditions. An algorithm developed to predict the effect of missense changes on protein structure and function (PolyPhen-2) suggests that this variant is likely to be tolerated. In summary, the available evidence is currently insufficient to determine the role of this variant in disease. Therefore, it has been classified as a Variant of Uncertain Significance.

Blueprint Genetics
Classification: Uncertain significance. Last evaluated: 2019-05-19. Review status: criteria provided, single submitter. Criteria: ACMG Guidelines, 2015. Collection method: clinical testing. Allele origin: germline.

NM_001852.4(COL9A2):c.520T>C (p.Cys174Arg)

Gene: COL9A2 (collagen type IX alpha 2 chain; minus strand). Cytogenetic location: 1p34.2.
Variant type: single nucleotide variant.
Coding change: c.520T>C on transcript NM_001852.4 (MANE Select); coding-DNA position 520, T replaced by C.
Protein change: p.Cys174Arg; replaces cysteine 174 with arginine.
Molecular consequence: missense variant.
Genome position (GRCh38, 1-based): chr1:40,311,286, A>G on the plus strand (T>C on the coding strand, the complement: COL9A2 is on the minus strand). VCF-style: chr1-40311286-A-G. GRCh37 (hg19) VCF-style: chr1-40776958-A-G.
Other names: short protein forms C174R.
Identifiers: ClinVar variation 4799430 (VCV004799430.2).
Genomic context (GRCh38, chr1:40,311,286, plus strand): 5'-TCACCTTCACTCCCTGCAGCCCTGGGGGACCTTTCATTCCGGGTGGACAGTTGGTTGGAC[A>G]CTGGAAACAGAAAATCCCACAGGGTCCTGTGATCAGCTGGGCAGTGCGCCCCCATCTCTC-3'
Protein context (NP_001843.1, residues 164-184): QGLEGSADFL[Cys174Arg]PTNCPPGMKG